The following is an entry in ClinVar:

NM_000273.3(GPR143):c.104G>T (p.Gly35Val)

Gene: GPR143 (G protein-coupled receptor 143; minus strand). Cytogenetic location: Xp22.2.
Variant type: single nucleotide variant.
Coding change: c.104G>T on transcript NM_000273.3 (MANE Select); coding-DNA position 104, G replaced by T.
Protein change: p.Gly35Val; replaces glycine 35 with valine.
Molecular consequence: missense variant.
Genome position (GRCh38, 1-based): chrX:9,765,714, C>A on the plus strand (G>T on the coding strand, the complement: GPR143 is on the minus strand). VCF-style: chrX-9765714-C-A. GRCh37 (hg19) VCF-style: chrX-9733754-C-A.
Other names: short protein forms G35V.
Identifiers: ClinVar variation 2992192 (VCV002992192.3), dbSNP rs62635018, ClinGen allele CA412000736.
Genomic context (GRCh38, chrX:9,765,714, plus strand): 5'-GCGGGCCGGCGGCCGGGCAGCAGCTGCAGAAGGCCCAGCGCCAAGCGGAGCCCGCCGCTG[C>A]CCAGGCAGAGCGCGTGGAAGGCCCGCGGCTGGAAGCTCAGCACGAGCTGCGTGGCTGCGT-3'
Protein context (NP_000264.2, residues 25-45): QPRAFHALCL[Gly35Val]SGGLRLALGL

ClinVar aggregate classification (germline): Uncertain significance (1 of 4 stars; one submission).

Allele frequency attached by ClinVar (database versions not stated): gnomAD exomes 0.00001.
gnomAD v4.1: 4 of 1,117,885 alleles (0.00036%); highest among the groups gnomAD compares: Non-Finnish European, 0.00047%; no homozygotes.

Submission:

Labcorp Genetics (formerly Invitae), Labcorp
Classification: Uncertain significance. Last evaluated: 2023-06-30. Review status: criteria provided, single submitter. Criteria: Invitae Variant Classification Sherloc (09022015). Collection method: clinical testing. Allele origin: germline.
Comment: This variant is not present in population databases (gnomAD no frequency). This variant has not been reported in the literature in individuals affected with GPR143-related conditions. Advanced modeling of protein sequence and biophysical properties (such as structural, functional, and spatial information, amino acid conservation, physicochemical variation, residue mobility, and thermodynamic stability) performed at Invitae indicates that this missense variant is not expected to disrupt GPR143 protein function. In summary, the available evidence is currently insufficient to determine the role of this variant in disease. Therefore, it has been classified as a Variant of Uncertain Significance. This sequence change replaces glycine, which is neutral and non-polar, with valine, which is neutral and non-polar, at codon 35 of the GPR143 protein (p.Gly35Val).